The following is an entry in ClinVar:

NM_000051.4(ATM):c.640T>C (p.Ser214Pro)

Gene: ATM (ATM serine/threonine kinase; plus strand). Cytogenetic location: 11q22.3.
Variant type: single nucleotide variant.
Coding change: c.640T>C on transcript NM_000051.4 (MANE Select); coding-DNA position 640, T replaced by C.
Protein change: p.Ser214Pro; replaces serine 214 with proline.
Molecular consequence: missense variant.
Genome position (GRCh38, 1-based): chr11:108,244,096, T>C. VCF-style: chr11-108244096-T-C. GRCh37 (hg19) VCF-style: chr11-108114823-T-C.
Other names: c.640T>C, p.Ser214Pro (NM_001351834.2); short protein forms S214P.
Identifiers: ClinVar variation 236751 (VCV000236751.30), dbSNP rs747053710, ClinGen allele CA6264636.

ClinVar aggregate classification (germline): Conflicting classifications of pathogenicity. Review status: criteria provided, conflicting classifications (1 of 4 stars). 7 submissions from 7 submitters: Uncertain significance (5); Likely benign (1). 1 of the submissions does not count toward it. Last evaluated 2025-03-06.

Conditions:
Hereditary cancer-predisposing syndrome. Also called: Tumor predisposition; Hereditary neoplastic syndrome; Hereditary Cancer Syndrome; Neoplastic Syndromes, Hereditary. Identifiers: Orphanet 140162, MedGen C0027672, MeSH D009386, MONDO:0015356.
Ataxia-telangiectasia syndrome (AT). Also called: Ataxia telangiectasia (A-T); Ataxia-telangiectasia, complementation group E; ATAXIA-TELANGIECTASIA, COMPLEMENTATION GROUP A; ATAXIA-TELANGIECTASIA, FRESNO VARIANT; Ataxia-telangiectasia; Cerebello-oculocutaneous telangiectasia. Identifiers: Orphanet 100, MedGen C0004135, MONDO:0008840, OMIM 208900.

Allele frequency attached by ClinVar (database versions not stated): ExAC 0.00001; gnomAD exomes 0.00001 and below 0.00001.
gnomAD v4.1: 3 of 1,613,924 alleles (0.00019%); highest among the groups gnomAD compares: Non-Finnish European, 0.00017%; no homozygotes.

Submissions (7):

Ambry Genetics
Classification: Likely benign for Hereditary cancer-predisposing syndrome. Last evaluated: 2025-03-06. Review status: criteria provided, single submitter. Criteria: Ambry Variant Classification Scheme 2023. Collection method: clinical testing. Allele origin: germline.

Labcorp Genetics (formerly Invitae), Labcorp
Classification: Uncertain significance for Ataxia-telangiectasia syndrome. Last evaluated: 2025-03-03. Review status: criteria provided, single submitter. Criteria: Invitae Variant Classification Sherloc (09022015). Collection method: clinical testing. Allele origin: germline.
Comment: This sequence change replaces serine, which is neutral and polar, with proline, which is neutral and non-polar, at codon 214 of the ATM protein (p.Ser214Pro). This variant is present in population databases (rs747053710, gnomAD 0.0009%). This variant has not been reported in the literature in individuals affected with ATM-related conditions. ClinVar contains an entry for this variant (Variation ID: 236751). Invitae Evidence Modeling of protein sequence and biophysical properties (such as structural, functional, and spatial information, amino acid conservation, physicochemical variation, residue mobility, and thermodynamic stability) indicates that this missense variant is not expected to disrupt ATM protein function with a negative predictive value of 95%. In summary, the available evidence is currently insufficient to determine the role of this variant in disease. Therefore, it has been classified as a Variant of Uncertain Significance.

GeneDx
Classification: Uncertain significance. Last evaluated: 2024-04-01. Review status: criteria provided, single submitter. Criteria: GeneDx Variant Classification Process June 2021. Collection method: clinical testing. Allele origin: germline.
Comment: Not observed at significant frequency in large population cohorts (gnomAD); In silico analysis supports that this missense variant does not alter protein structure/function; Has not been previously published as pathogenic or benign to our knowledge; This variant is associated with the following publications: (PMID: 33471991)

Color Diagnostics, LLC DBA Color Health
Classification: Uncertain significance for Hereditary cancer-predisposing syndrome. Last evaluated: 2024-02-20. Review status: criteria provided, single submitter. Criteria: ACMG Guidelines, 2015. Collection method: clinical testing. Allele origin: germline.
Comment: This missense variant replaces serine with proline at codon 214 of the ATM protein. Computational prediction suggests that this variant may not impact protein structure and function. To our knowledge, functional studies have not been reported for this variant. This variant has not been reported in individuals affected with hereditary cancer in the literature. This variant has been identified in 2/251212 chromosomes in the general population by the Genome Aggregation Database (gnomAD). The available evidence is insufficient to determine the role of this variant in disease conclusively. Therefore, this variant is classified as a Variant of Uncertain Significance.

Women's Health and Genetics/Laboratory Corporation of America, LabCorp
Classification: Uncertain significance. Last evaluated: 2023-06-12. Review status: criteria provided, single submitter. Criteria: LabCorp Variant Classification Summary - May 2015. Collection method: clinical testing. Allele origin: germline.
Comment: Variant summary: ATM c.640T>C (p.Ser214Pro) results in a non-conservative amino acid change in the encoded protein sequence. Three of five in-silico tools predict a benign effect of the variant on protein function. The variant allele was found at a frequency of 8e-06 in 251212 control chromosomes (gnomAD). The available data on variant occurrences in the general population are insufficient to allow any conclusion about variant significance. To our knowledge, no occurrence of c.640T>C in individuals affected with breast cancer and no experimental evidence demonstrating its impact on protein function have been reported. Five clinical diagnostic laboratories have submitted clinical-significance assessments for this variant to ClinVar after 2014 and all classified the variant as uncertain significance. Based on the evidence outlined above, the variant was classified as uncertain significance.

Quest Diagnostics Nichols Institute San Juan Capistrano
Classification: Uncertain significance. Last evaluated: 2021-05-14. Review status: criteria provided, single submitter. Criteria: Quest Diagnostics criteria. Collection method: clinical testing. Allele origin: unknown.

Natera, Inc.
Classification: Uncertain significance for Ataxia-telangiectasia. Last evaluated: 2021-08-16. Review status: no assertion criteria provided. Collection method: clinical testing. Allele origin: germline. Not counted in ClinVar's aggregate classification.

Literature cited by the submitters: PubMed 33471991 (cited by Women's Health and Genetics/Laboratory Corporation of America, LabCorp).